The following is an entry in ClinVar:

NM_004525.3(LRP2):c.8764G>A (p.Glu2922Lys)

Gene: LRP2 (LDL receptor related protein 2; minus strand). Cytogenetic location: 2q31.1.
Variant type: single nucleotide variant.
Coding change: c.8764G>A on transcript NM_004525.3 (MANE Select); coding-DNA position 8764, G replaced by A.
Protein change: p.Glu2922Lys; replaces glutamic acid 2922 with lysine.
Molecular consequence: missense variant.
Genome position (GRCh38, 1-based): chr2:169,193,827, C>T on the plus strand (G>A on the coding strand, the complement: LRP2 is on the minus strand). VCF-style: chr2-169193827-C-T. GRCh37 (hg19) VCF-style: chr2-170050337-C-T.
Other names: short protein forms E2922K.
Identifiers: ClinVar variation 1446819 (VCV001446819.4), dbSNP rs370790771, ClinGen allele CA1953763.

ClinVar aggregate classification (germline): Uncertain significance. Review status: criteria provided, multiple submitters, no conflicts (2 of 4 stars). 2 submissions from 2 submitters: Uncertain significance (2). Last evaluated 2022-07-06.

Conditions:
Donnai-Barrow syndrome. Also called: DBS/FOAR SYNDROME; FACIOOCULOACOUSTICORENAL SYNDROME. Identifiers: Orphanet 2143, MedGen C1857277, MONDO:0009104, OMIM 222448.

Allele frequency attached by ClinVar (database versions not stated): TOPMed 0.00001; ExAC 0.00002; gnomAD exomes 0.00002; ESP Exome Variant Server 0.00008.
gnomAD v4.1: 5 of 1,614,138 alleles (0.00031%); highest among the groups gnomAD compares: Admixed American, 0.005%; no homozygotes.

Submissions (2):

Labcorp Genetics (formerly Invitae), Labcorp
Classification: Uncertain significance. Last evaluated: 2022-07-06. Review status: criteria provided, single submitter. Criteria: Invitae Variant Classification Sherloc (09022015). Collection method: clinical testing. Allele origin: germline.
Comment: This sequence change replaces glutamic acid, which is acidic and polar, with lysine, which is basic and polar, at codon 2922 of the LRP2 protein (p.Glu2922Lys). This variant is present in population databases (rs370790771, gnomAD 0.01%). This variant has not been reported in the literature in individuals affected with LRP2-related conditions. ClinVar contains an entry for this variant (Variation ID: 1446819). Advanced modeling of protein sequence and biophysical properties (such as structural, functional, and spatial information, amino acid conservation, physicochemical variation, residue mobility, and thermodynamic stability) performed at Invitae indicates that this missense variant is not expected to disrupt LRP2 protein function. In summary, the available evidence is currently insufficient to determine the role of this variant in disease. Therefore, it has been classified as a Variant of Uncertain Significance.

Fulgent Genetics
Classification: Uncertain significance for Donnai-Barrow syndrome. Last evaluated: 2021-11-01. Review status: criteria provided, single submitter. Criteria: ACMG Guidelines, 2015. Collection method: clinical testing. Allele origin: unknown.